The following is an entry in ClinVar:

ClinVar aggregate classification (germline): Uncertain significance (1 of 4 stars; one submission).

Allele frequency attached by ClinVar (database versions not stated): gnomAD exomes below 0.00001; ExAC 0.00001; TOPMed 0.00001.

Submission:

Labcorp Genetics (formerly Invitae), Labcorp
Classification: Uncertain significance. Last evaluated: 2021-08-30. Review status: criteria provided, single submitter. Criteria: Invitae Variant Classification Sherloc (09022015). Collection method: clinical testing. Allele origin: germline.
Comment: In summary, the available evidence is currently insufficient to determine the role of this variant in disease. Therefore, it has been classified as a Variant of Uncertain Significance. Algorithms developed to predict the effect of missense changes on protein structure and function (SIFT, PolyPhen-2, Align-GVGD) all suggest that this variant is likely to be tolerated. This variant has not been reported in the literature in individuals affected with PLAA-related conditions. This variant is present in population databases (rs762745795, ExAC 0.01%). This sequence change replaces glutamine with arginine at codon 679 of the PLAA protein (p.Gln679Arg). The glutamine residue is moderately conserved and there is a small physicochemical difference between glutamine and arginine.

NM_001031689.3(PLAA):c.2036A>G (p.Gln679Arg)

Gene: PLAA (phospholipase A2 activating protein; minus strand). Cytogenetic location: 9p21.2.
Variant type: single nucleotide variant.
Coding change: c.2036A>G on transcript NM_001031689.3 (MANE Select); coding-DNA position 2036, A replaced by G.
Protein change: p.Gln679Arg; replaces glutamine 679 with arginine.
Molecular consequence: missense variant.
Genome position (GRCh38, 1-based): chr9:26,905,863, T>C on the plus strand (A>G on the coding strand, the complement: PLAA is on the minus strand). VCF-style: chr9-26905863-T-C. GRCh37 (hg19) VCF-style: chr9-26905861-T-C.
Other names: c.1967A>G, p.Gln656Arg (NM_001321546.2); short protein forms Q656R, Q679R.
Identifiers: ClinVar variation 1421049 (VCV001421049.8), dbSNP rs762745795, ClinGen allele CA5014181.